The following is an entry in ClinVar:

ClinVar aggregate classification (germline): Pathogenic (1 of 4 stars; one submission).

Conditions:
Charcot-Marie-Tooth disease type 4. Also called: Charcot-Marie-Tooth disease, type IV; Charcot-Marie-Tooth, Type 4. Identifiers: Orphanet 64749, MedGen C4082197, MONDO:0018995.

Submission:

Labcorp Genetics (formerly Invitae), Labcorp
Classification: Pathogenic for Charcot-Marie-Tooth disease type 4. Last evaluated: 2025-02-06. Review status: criteria provided, single submitter. Criteria: Invitae Variant Classification Sherloc (09022015). Collection method: clinical testing. Allele origin: germline.
Comment: This sequence change creates a premature translational stop signal (p.Gln598*) in the SBF2 gene. It is expected to result in an absent or disrupted protein product. Loss-of-function variants in SBF2 are known to be pathogenic (PMID: 12687498, 25873783). This variant is not present in population databases (gnomAD no frequency). This variant has not been reported in the literature in individuals affected with SBF2-related conditions. For these reasons, this variant has been classified as Pathogenic.

Literature cited by the submitters: PubMed 12687498; PubMed 25873783.

NM_030962.4(SBF2):c.1792C>T (p.Gln598Ter)

Gene: SBF2 (SET binding factor 2; minus strand). Cytogenetic location: 11p15.4.
Variant type: single nucleotide variant.
Coding change: c.1792C>T on transcript NM_030962.4 (MANE Select); coding-DNA position 1792, C replaced by T.
Protein change: p.Gln598Ter; replaces glutamine 598 with a stop codon.
Molecular consequence: nonsense.
Genome position (GRCh38, 1-based): chr11:9,962,025, G>A on the plus strand (C>T on the coding strand, the complement: SBF2 is on the minus strand). VCF-style: chr11-9962025-G-A. GRCh37 (hg19) VCF-style: chr11-9983572-G-A.
Other names: c.1792C>T, p.Gln598Ter (NM_001386339.1); c.1663C>T, p.Gln555Ter (NM_001386342.1); c.1828C>T, p.Gln610Ter (NM_001424318.1, NM_001425069.1, NM_001425070.1); short protein forms Q610*, Q555*, Q598*.
Identifiers: ClinVar variation 4712459 (VCV004712459.1).